The following is an entry in ClinVar:

NM_015910.7(WDPCP):c.272C>T (p.Thr91Met)

Gene: WDPCP (WD repeat containing planar cell polarity effector; minus strand). Cytogenetic location: 2p15.
Variant type: single nucleotide variant.
Coding change: c.272C>T on transcript NM_015910.7 (MANE Select); coding-DNA position 272, C replaced by T.
Protein change: p.Thr91Met; replaces threonine 91 with methionine.
Molecular consequence: missense variant. On other transcripts: non-coding transcript variant (2).
Genome position (GRCh38, 1-based): chr2:63,484,969, G>A on the plus strand (C>T on the coding strand, the complement: WDPCP is on the minus strand). VCF-style: chr2-63484969-G-A. GRCh37 (hg19) VCF-style: chr2-63712103-G-A.
Other names: c.200C>T, p.Thr67Met (NM_001354044.2); c.272C>T, p.Thr91Met (NM_001354045.2); short protein forms T91M, T67M.
Identifiers: ClinVar variation 462950 (VCV000462950.9), dbSNP rs753130718, ClinGen allele CA1682541.

ClinVar aggregate classification (germline): Uncertain significance (1 of 4 stars; one submission).

Conditions:
Bardet-Biedl syndrome (BBS). Identifiers: Orphanet 110, MedGen C0752166, MONDO:0015229.

Allele frequency attached by ClinVar (database versions not stated): ExAC 0.00001; gnomAD exomes 0.00002; gnomAD 0.00003; TOPMed 0.00003.

Submission:

Labcorp Genetics (formerly Invitae), Labcorp
Classification: Uncertain significance for Bardet-Biedl syndrome. Last evaluated: 2020-09-16. Review status: criteria provided, single submitter. Criteria: Invitae Variant Classification Sherloc (09022015). Collection method: clinical testing. Allele origin: germline.
Comment: This sequence change replaces threonine with methionine at codon 91 of the WDPCP protein (p.Thr91Met). The threonine residue is moderately conserved and there is a moderate physicochemical difference between threonine and methionine. In summary, the available evidence is currently insufficient to determine the role of this variant in disease. Therefore, it has been classified as a Variant of Uncertain Significance. Algorithms developed to predict the effect of missense changes on protein structure and function (SIFT, PolyPhen-2, Align-GVGD) all suggest that this variant is likely to be tolerated, but these predictions have not been confirmed by published functional studies and their clinical significance is uncertain. This variant has not been reported in the literature in individuals with WDPCP-related disease. This variant is present in population databases (rs753130718, ExAC 0.01%).